The following is an entry in ClinVar:

ClinVar aggregate classification (germline): Uncertain significance (1 of 4 stars; one submission).

Conditions:
Inborn genetic diseases. Identifiers: MedGen C0950123, MeSH D030342.

Submission:

Ambry Genetics
Classification: Uncertain significance for Inborn genetic diseases. Last evaluated: 2025-01-15. Review status: criteria provided, single submitter. Criteria: Ambry Variant Classification Scheme 2023. Collection method: clinical testing. Allele origin: germline.
Comment: The p.L1315V variant (also known as c.3943C>G), located in coding exon 40 of the FANCA gene, results from a C to G substitution at nucleotide position 3943. The leucine at codon 1315 is replaced by valine, an amino acid with highly similar properties. This amino acid position is conserved. In addition, this alteration is predicted to be tolerated by in silico analysis. Based on the available evidence, the clinical significance of this variant remains unclear.

NM_000135.4(FANCA):c.3943C>G (p.Leu1315Val)

Genes: FANCA (FA complementation group A; minus strand), ZNF276 (zinc finger protein 276; plus strand). Cytogenetic location: 16q24.3.
Variant type: single nucleotide variant.
Coding change: c.3943C>G on transcript NM_000135.4 (MANE Select); coding-DNA position 3943, C replaced by G.
Protein change: p.Leu1315Val; replaces leucine 1315 with valine.
Molecular consequence: missense variant. On other transcripts: 3 prime UTR variant (2), non-coding transcript variant (4).
Genome position (GRCh38, 1-based): chr16:89,739,545, G>C on the plus strand (C>G on the coding strand, the complement: FANCA is on the minus strand). VCF-style: chr16-89739545-G-C. GRCh37 (hg19) VCF-style: chr16-89805953-G-C.
Other names: c.3943C>G, p.Leu1315Val (NM_001286167.3); c.*1299G>C (NM_001113525.2, NM_152287.4); short protein forms L1315V.
Identifiers: ClinVar variation 3512741 (VCV003512741.2).
Genomic context (GRCh38, chr16:89,739,545, plus strand): 5'-AAGCGAAAGGCAGCAGCCTGGTGTGCTGATCCGGGGCCACACGGAGGAGGAGCCGCCCCA[G>C]CCTGAGGTCTGCAACACCAAGAAGTGGCTCAGGCAACTCTGGACATCTCTGCCTATTATC-3'
Protein context (NP_000126.2, residues 1305-1325): LFQLTESDLR[Leu1315Val]GRLLLRVAPD